The following is an entry in ClinVar:

ClinVar aggregate classification (germline): Uncertain significance (1 of 4 stars; one submission).

Conditions:
Hereditary cancer-predisposing syndrome. Also called: Neoplastic Syndromes, Hereditary; Tumor predisposition; Hereditary neoplastic syndrome; Hereditary Cancer Syndrome. Identifiers: Orphanet 140162, MedGen C0027672, MeSH D009386, MONDO:0015356.

Submission:

Ambry Genetics
Classification: Uncertain significance for Hereditary cancer-predisposing syndrome. Last evaluated: 2026-07-02. Review status: criteria provided, single submitter. Criteria: Ambry Variant Classification Scheme 2023. Collection method: clinical testing. Allele origin: germline.
Comment: The p.L161V variant (also known as c.481C>G), located in coding exon 4 of the SDHAF2 gene, results from a C to G substitution at nucleotide position 481. The leucine at codon 161 is replaced by valine, an amino acid with highly similar properties. This amino acid position is conserved. In addition, the in silico prediction for this alteration is inconclusive. Based on the available evidence, the clinical significance of this variant remains unclear.

NM_017841.4(SDHAF2):c.481C>G (p.Leu161Val)

Gene: SDHAF2 (succinate dehydrogenase complex assembly factor 2; plus strand). Cytogenetic location: 11q12.2.
Variant type: single nucleotide variant.
Coding change: c.481C>G on transcript NM_017841.4 (MANE Select); coding-DNA position 481, C replaced by G.
Protein change: p.Leu161Val; replaces leucine 161 with valine.
Molecular consequence: missense variant.
Genome position (GRCh38, 1-based): chr11:61,446,051, C>G. VCF-style: chr11-61446051-C-G. GRCh37 (hg19) VCF-style: chr11-61213523-C-G.
Other names: short protein forms L161V.
Identifiers: ClinVar variation 5029222 (VCV005029222.1).